The following is an entry in ClinVar:

ClinVar aggregate classification (germline): Uncertain significance (1 of 4 stars; one submission).

Submission:

GeneDx
Classification: Uncertain significance. Last evaluated: 2025-02-24. Review status: criteria provided, single submitter. Criteria: GeneDx Variant Classification Process June 2021. Collection method: clinical testing. Allele origin: germline. Affected: yes.
Comment: Not observed at significant frequency in large population cohorts (gnomAD); In silico analysis supports that this missense variant has a deleterious effect on protein structure/function; Has not been previously published as pathogenic or benign to our knowledge

NM_000540.3(RYR1):c.3033C>A (p.Asp1011Glu)

Gene: RYR1 (ryanodine receptor 1; plus strand). Cytogenetic location: 19q13.2.
Variant type: single nucleotide variant.
Coding change: c.3033C>A on transcript NM_000540.3 (MANE Select); coding-DNA position 3033, C replaced by A.
Protein change: p.Asp1011Glu; replaces aspartic acid 1011 with glutamic acid.
Molecular consequence: missense variant.
Genome position (GRCh38, 1-based): chr19:38,466,253, C>A. VCF-style: chr19-38466253-C-A. GRCh37 (hg19) VCF-style: chr19-38956893-C-A.
Other names: c.3033C>A, p.Asp1011Glu (NM_001042723.2); short protein forms D1011E.
Identifiers: ClinVar variation 4077268 (VCV004077268.1).